The following is an entry in ClinVar:

NM_001035.3(RYR2):c.14635C>A (p.Gln4879Lys)

Gene: RYR2 (ryanodine receptor 2; plus strand). Cytogenetic location: 1q43.
Variant type: single nucleotide variant.
Coding change: c.14635C>A on transcript NM_001035.3 (MANE Select); coding-DNA position 14635, C replaced by A.
Protein change: p.Gln4879Lys; replaces glutamine 4879 with lysine.
Molecular consequence: missense variant.
Genome position (GRCh38, 1-based): chr1:237,828,425, C>A. VCF-style: chr1-237828425-C-A. GRCh37 (hg19) VCF-style: chr1-237991725-C-A.
Other names: c.14635C>A, p.Gln4879Lys (LRG_402t1); short protein forms Q4879K.
Identifiers: ClinVar variation 180506 (VCV000180506.2), dbSNP rs730880200, ClinGen allele CA008325.

ClinVar aggregate classification (germline): Uncertain significance (1 of 4 stars; one submission).

Submission:

GeneDx
Classification: Uncertain significance. Last evaluated: 2017-04-24. Review status: criteria provided, single submitter. Criteria: GeneDx Variant Classification (06012015). Collection method: clinical testing. Allele origin: germline. Affected: yes.
Comment: A variant of uncertain significance has been identified in the RYR2 gene. The Q4879K variant has not been published as pathogenic or been reported as benign to our knowledge. This variant is not observed in large population cohorts (Lek et al., 2016; 1000 Genomes Consortium et al., 2015; Exome Variant Server). The Q4879K variant is a semi-conservative amino acid substitution, which may impact secondary protein structure as these residues differ in some properties. Additionally, this substitution occurs at a position that is conserved across species. Furthermore, in silico analysis predicts this variant is probably damaging to the protein structure/function. Moreover, the Q4879K variant is located in one of the three hot-spot regions of the RYR2 gene, where the majority of pathogenic missense variants occur (Medeiros-Domingo et al., 2009). However, this variant has not been identified in a significant number of affected individuals, and there are no functional studies or segregation data available to clarify the role of this variant in disease.